The following is an entry in ClinVar:

NM_153252.5(BRWD3):c.3071A>G (p.Tyr1024Cys)

Gene: BRWD3 (bromodomain and WD repeat domain containing 3; minus strand). Cytogenetic location: Xq21.1.
Variant type: single nucleotide variant.
Coding change: c.3071A>G on transcript NM_153252.5 (MANE Select); coding-DNA position 3071, A replaced by G.
Protein change: p.Tyr1024Cys; replaces tyrosine 1024 with cysteine.
Molecular consequence: missense variant.
Genome position (GRCh38, 1-based): chrX:80,695,988, T>C on the plus strand (A>G on the coding strand, the complement: BRWD3 is on the minus strand). VCF-style: chrX-80695988-T-C. GRCh37 (hg19) VCF-style: chrX-79951487-T-C.
Other names: short protein forms Y1024C.
Identifiers: ClinVar variation 3768169 (VCV003768169.1).

ClinVar aggregate classification (germline): Uncertain significance (1 of 4 stars; one submission).

Submission:

Women's Health and Genetics/Laboratory Corporation of America, LabCorp
Classification: Uncertain significance. Last evaluated: 2024-12-10. Review status: criteria provided, single submitter. Criteria: LabCorp Variant Classification Summary - May 2015. Collection method: clinical testing. Allele origin: germline.
Comment: Variant summary: BRWD3 c.3071A>G (p.Tyr1024Cys) results in a non-conservative amino acid change in the encoded protein sequence. Four of five in-silico tools predict a damaging effect of the variant on protein function. Consensus agreement among computation tools predict no significant impact on normal splicing. However, these predictions have yet to be confirmed by functional studies. The variant was absent in 180140 control chromosomes. The available data on variant occurrences in the general population are insufficient to allow any conclusion about variant significance. To our knowledge, no occurrence of c.3071A>G in individuals affected with Intellectual Disability, X-Linked 93 and no experimental evidence demonstrating its impact on protein function have been reported. No submitters have cited clinical-significance assessments for this variant to ClinVar. Based on the evidence outlined above, the variant was classified as uncertain significance.